The following is an entry in ClinVar:

ClinVar aggregate classification (germline): Likely pathogenic (1 of 4 stars; one submission).

Submission:

Genetic Services Laboratory, University of Chicago
Classification: Likely pathogenic. Last evaluated: 2024-12-09. Review status: criteria provided, single submitter. Criteria: ACMG Guidelines, 2015. Collection method: clinical testing. Allele origin: germline. Affected: yes.
Comment: DNA sequence analysis of the AR gene demonstrated a sequence change, c.2432T>C, in exon 6 that results in an amino acid change, p.Leu811Pro. The p.Leu811Pro change affects a highly conserved amino acid residue located in a domain of the AR protein that is known to be functional. This sequence change has not been described in population databases such as ExAC and gnomAD. The p.Leu811Pro substitution appears to be deleterious/possibly damaging using several in-silico pathogenicity prediction tools (SIFT, PolyPhen2, Align GVGD, REVEL). This particular amino acid change does not appear to have been described in the literature in other individuals with AR-related disorders. However, a different pathogenic sequence change affecting an adjacent amino acid residue within a highly conserved amino acid motif (p.Leu812Gln) has been described in an individual with complete androgen insensitivity syndrome (PMID: 33750429); further, missense variants located in the AR ligand binding domain are a known cause of AR-related complete androgen insensitivity syndrome (PMID: 22334387). Taken together, the available evidence and the diagnosis of androgen insensitivity in this individual indicates that this sequence change likely pathogenic; however, functional studies have not been performed to prove this conclusively.

NM_000044.6(AR):c.2432T>C (p.Leu811Pro)

Gene: AR (androgen receptor; plus strand). Cytogenetic location: Xq12.
Variant type: single nucleotide variant.
Coding change: c.2432T>C on transcript NM_000044.6 (MANE Select); coding-DNA position 2432, T replaced by C.
Protein change: p.Leu811Pro; replaces leucine 811 with proline.
Molecular consequence: missense variant.
Genome position (GRCh38, 1-based): chrX:67,721,946, T>C. VCF-style: chrX-67721946-T-C. GRCh37 (hg19) VCF-style: chrX-66941788-T-C.
Other names: c.836T>C, p.Leu279Pro (NM_001011645.3); short protein forms L279P, L811P.
Identifiers: ClinVar variation 4082479 (VCV004082479.2).